The following is an entry in ClinVar:

ClinVar aggregate classification (germline): Uncertain significance (1 of 4 stars; one submission).

Conditions:
Global developmental delay with or without impaired intellectual development. Identifiers: MedGen C5193032, MONDO:0032680, OMIM 618330.

Allele frequency attached by ClinVar (database versions not stated): gnomAD exomes below 0.00001.
gnomAD v4.1: 1 of 1,614,132 alleles (0.000062%); no homozygotes.

Submission:

Institute of Human Genetics, University of Leipzig Medical Center
Classification: Uncertain significance for Global developmental delay with or without impaired intellectual development. Last evaluated: 2022-12-19. Review status: criteria provided, single submitter. Criteria: ACMG Guidelines, 2015. Collection method: clinical testing. Allele origin: de novo. Affected: yes.
Comment: Criteria applied: PS2_Moderate, PM2_Supporting, PP2, PP3

NM_181552.4(CUX1):c.2806G>A (p.Glu936Lys)

Gene: CUX1 (cut like homeobox 1; plus strand). Cytogenetic location: 7q22.1.
Variant type: single nucleotide variant.
Coding change: c.2806G>A on transcript NM_181552.4 (MANE Select); coding-DNA position 2806, G replaced by A.
Protein change: p.Glu936Lys; replaces glutamic acid 936 with lysine.
Molecular consequence: missense variant. On other transcripts: intron variant (5).
Genome position (GRCh38, 1-based): chr7:102,202,103, G>A. VCF-style: chr7-102202103-G-A. GRCh37 (hg19) VCF-style: chr7-101845383-G-A.
Other names: c.2839G>A, p.Glu947Lys (NM_001202543.2); c.1255+6500G>A (NM_001913.5); c.1249+6500G>A (NM_181500.4); c.1117+6500G>A (NM_001202545.3); c.1207+6500G>A (NM_001202544.3); c.1138+6500G>A (NM_001202546.3); short protein forms E936K, E947K.
Identifiers: ClinVar variation 1803943 (VCV001803943.1), dbSNP rs2485473680, ClinGen allele CA368685552.